The following is an entry in ClinVar:

NM_032776.3(JMJD1C):c.2693G>A (p.Arg898Lys)

Gene: JMJD1C (jumonji domain containing 1C; minus strand). Cytogenetic location: 10q21.3.
Variant type: single nucleotide variant.
Coding change: c.2693G>A on transcript NM_032776.3 (MANE Select); coding-DNA position 2693, G replaced by A.
Protein change: p.Arg898Lys; replaces arginine 898 with lysine.
Molecular consequence: missense variant. On other transcripts: non-coding transcript variant (1).
Genome position (GRCh38, 1-based): chr10:63,213,474, C>T on the plus strand (G>A on the coding strand, the complement: JMJD1C is on the minus strand). VCF-style: chr10-63213474-C-T. GRCh37 (hg19) VCF-style: chr10-64973234-C-T.
Other names: c.2147G>A, p.Arg716Lys (NM_001282948.2, NM_001318154.2); c.1829G>A, p.Arg610Lys (NM_001318153.2); c.2579G>A, p.Arg860Lys (NM_001322252.2); c.2036G>A, p.Arg679Lys (NM_001322254.2, NM_001322258.2); short protein forms R679K, R716K, R610K, R860K, R898K.
Identifiers: ClinVar variation 946495 (VCV000946495.9), dbSNP rs902996051, ClinGen allele CA208375119.

ClinVar aggregate classification (germline): Uncertain significance (1 of 4 stars; one submission).

Conditions:
Early Myoclonic Encephalopathy. Identifiers: MedGen C0270855.

Allele frequency attached by ClinVar (database versions not stated): TOPMed 0.00001.

Submission:

Labcorp Genetics (formerly Invitae), Labcorp
Classification: Uncertain significance for Early Myoclonic Encephalopathy. Last evaluated: 2024-01-14. Review status: criteria provided, single submitter. Criteria: Invitae Variant Classification Sherloc (09022015). Collection method: clinical testing. Allele origin: germline.
Comment: This sequence change replaces arginine, which is basic and polar, with lysine, which is basic and polar, at codon 898 of the JMJD1C protein (p.Arg898Lys). This variant is not present in population databases (gnomAD no frequency). This variant has not been reported in the literature in individuals affected with JMJD1C-related conditions. ClinVar contains an entry for this variant (Variation ID: 946495). An algorithm developed to predict the effect of missense changes on protein structure and function (PolyPhen-2) suggests that this variant is likely to be disruptive. In summary, the available evidence is currently insufficient to determine the role of this variant in disease. Therefore, it has been classified as a Variant of Uncertain Significance.